The following is an entry in ClinVar:

NM_004789.4(LHX2):c.437G>A (p.Cys146Tyr)

Gene: LHX2 (LIM homeobox 2; plus strand). Cytogenetic location: 9q33.3.
Variant type: single nucleotide variant.
Coding change: c.437G>A on transcript NM_004789.4 (MANE Select); coding-DNA position 437, G replaced by A.
Protein change: p.Cys146Tyr; replaces cysteine 146 with tyrosine.
Molecular consequence: missense variant.
Genome position (GRCh38, 1-based): chr9:124,015,235, G>A. VCF-style: chr9-124015235-G-A. GRCh37 (hg19) VCF-style: chr9-126777514-G-A.
Other names: short protein forms C146Y.
Identifiers: ClinVar variation 3340939 (VCV003340939.2).

ClinVar aggregate classification (germline): Pathogenic (1 of 4 stars; one submission).

Submission:

GeneDx
Classification: Pathogenic. Last evaluated: 2026-04-26. Review status: criteria provided, single submitter. Criteria: GeneDx Variant Classification Process June 2021. Collection method: clinical testing. Allele origin: germline.
Comment: Published functional studies demonstrate a damaging effect with impaired transactivation (PMID: 37057675); Not observed at significant frequency in large population cohorts (gnomAD); In silico analysis supports that this missense variant has a deleterious effect on protein structure/function; This variant is associated with the following publications: (PMID: 37057675)